The following is an entry in ClinVar:

ClinVar aggregate classification (germline): Pathogenic (1 of 4 stars; one submission).

Conditions:
Neurofibromatosis, type 1 (NF1). Also called: NEUROFIBROMATOSIS, TYPE I, SOMATIC; VON RECKLINGHAUSEN DISEASE; Peripheral type neurofibromatosis; Neurofibromatosis, type I. Identifiers: Orphanet 636, MedGen C0027831, MONDO:0018975, OMIM 162200. Disease mechanism: loss of function.

Submission:

Labcorp Genetics (formerly Invitae), Labcorp
Classification: Pathogenic for Neurofibromatosis, type 1. Last evaluated: 2021-11-12. Review status: criteria provided, single submitter. Criteria: Invitae Variant Classification Sherloc (09022015). Collection method: clinical testing. Allele origin: germline.
Comment: This variant is not present in population databases (gnomAD no frequency). For these reasons, this variant has been classified as Pathogenic. This variant has not been reported in the literature in individuals affected with NF1-related conditions. This sequence change creates a premature translational stop signal (p.Gln2413Glufs*13) in the NF1 gene. It is expected to result in an absent or disrupted protein product. Loss-of-function variants in NF1 are known to be pathogenic (PMID: 10712197, 23913538).

Literature cited by the submitters: PubMed 10712197; PubMed 23913538.

NM_001042492.3(NF1):c.7300_7301del (p.Gln2434fs)

Gene: NF1 (neurofibromin 1; plus strand). Cytogenetic location: 17q11.2.
Variant type: Microsatellite.
Coding change: c.7300_7301del on transcript NM_001042492.3 (MANE Select); coding-DNA positions 7300 to 7301, 2 bases deleted (CA; older notation c.7300_7301delCA).
Protein change: p.Gln2434fs; shifts the reading frame from glutamine 2434.
Molecular consequence: frameshift variant.
Genome position (GRCh38, 1-based): chr17:31,349,230-31,349,231, CA deleted; deleting any 2 consecutive bases within chr17:31,349,227-31,349,231 gives the same sequence; the c. name uses the placement nearest the transcript's 3' end. VCF-style (leftmost placement, unchanged base first): chr17-31349226-TAC-T. GRCh37 (hg19) VCF-style: chr17-29676244-TAC-T.
Other names: c.7235_7236CA[1], p.Gln2413Glufs (NM_000267.4); short protein forms Q2434fs, Q2413fs.
Identifiers: ClinVar variation 1448182 (VCV001448182.6), dbSNP rs2151572876, ClinGen allele CA2580612867.